The following is an entry in ClinVar:

ClinVar aggregate classification (germline): Uncertain significance (1 of 4 stars; one submission).

Conditions:
Fanconi anemia (FA). Also called: Fanconi's anemia. Identifiers: Orphanet 84, MedGen C0015625, MeSH D005199, MONDO:0019391.

Allele frequency attached by ClinVar (database versions not stated): gnomAD exomes below 0.00001; gnomAD 0.00001; ExAC 0.00002; 1000 Genomes Project 30x 0.00021; 1000 Genomes Project 0.00026.
gnomAD v4.1: 3 of 1,198,864 alleles (0.00025%); highest among the groups gnomAD compares: South Asian, 0.0018%; no homozygotes.

Submission:

Labcorp Genetics (formerly Invitae), Labcorp
Classification: Uncertain significance for Fanconi anemia. Last evaluated: 2023-03-18. Review status: criteria provided, single submitter. Criteria: Invitae Variant Classification Sherloc (09022015). Collection method: clinical testing. Allele origin: germline.
Comment: This sequence change replaces histidine, which is basic and polar, with tyrosine, which is neutral and polar, at codon 644 of the FANCB protein (p.His644Tyr). This variant is present in population databases (rs772271125, gnomAD 0.005%), including at least one homozygous and/or hemizygous individual. This variant has not been reported in the literature in individuals affected with FANCB-related conditions. An algorithm developed to predict the effect of missense changes on protein structure and function (PolyPhen-2) suggests that this variant is likely to be disruptive. In summary, the available evidence is currently insufficient to determine the role of this variant in disease. Therefore, it has been classified as a Variant of Uncertain Significance.

NM_001018113.3(FANCB):c.1930C>T (p.His644Tyr)

Gene: FANCB (FA complementation group B; minus strand). Cytogenetic location: Xp22.2.
Variant type: single nucleotide variant.
Coding change: c.1930C>T on transcript NM_001018113.3 (MANE Select); coding-DNA position 1930, C replaced by T.
Protein change: p.His644Tyr; replaces histidine 644 with tyrosine.
Molecular consequence: missense variant.
Genome position (GRCh38, 1-based): chrX:14,844,738, G>A on the plus strand (C>T on the coding strand, the complement: FANCB is on the minus strand). VCF-style: chrX-14844738-G-A. GRCh37 (hg19) VCF-style: chrX-14862860-G-A.
Other names: c.1930C>T, p.His644Tyr (NM_001324162.2, NM_001410764.1, NM_152633.4); short protein forms H644Y.
Identifiers: ClinVar variation 3006870 (VCV003006870.3), dbSNP rs772271125, ClinGen allele CA10352981.